The following is an entry in ClinVar:

ClinVar aggregate classification (germline): Uncertain significance (1 of 4 stars; one submission).

Submission:

Labcorp Genetics (formerly Invitae), Labcorp
Classification: Uncertain significance. Last evaluated: 2022-08-09. Review status: criteria provided, single submitter. Criteria: Invitae Variant Classification Sherloc (09022015). Collection method: clinical testing. Allele origin: germline.
Comment: This sequence change replaces glycine, which is neutral and non-polar, with alanine, which is neutral and non-polar, at codon 1790 of the APC2 protein (p.Gly1790Ala). In summary, the available evidence is currently insufficient to determine the role of this variant in disease. Therefore, it has been classified as a Variant of Uncertain Significance. Algorithms developed to predict the effect of missense changes on protein structure and function are either unavailable or do not agree on the potential impact of this missense change (SIFT: "Not Available"; PolyPhen-2: "Probably Damaging"; Align-GVGD: "Not Available"). This variant has not been reported in the literature in individuals affected with APC2-related conditions. Information on the frequency of this variant in the gnomAD database is not available, as this variant may be reported differently in the database.

NM_005883.3(APC2):c.5369_5370delinsCT (p.Gly1790Ala)

Gene: APC2 (APC regulator of Wnt signaling pathway 2; plus strand). Cytogenetic location: 19p13.3.
Variant type: Indel.
Coding change: c.5369_5370delinsCT on transcript NM_005883.3 (MANE Select); coding-DNA positions 5369 to 5370, GA replaced by CT.
Protein change: p.Gly1790Ala; replaces glycine 1790 with alanine.
Molecular consequence: missense variant.
Genome position (GRCh38, 1-based): chr19:1,468,670-1,468,671, GA replaced by CT. VCF-style: chr19-1468670-GA-CT. GRCh37 (hg19) VCF-style: chr19-1468669-GA-CT.
Other names: c.5366_5367delinsCT, p.Gly1789Ala (NM_001351273.1); short protein forms G1789A, G1790A.
Identifiers: ClinVar variation 2000413 (VCV002000413.4), dbSNP rs2512539560, ClinGen allele CA2580096201.